The following is an entry in ClinVar:

NM_001698.3(AUH):c.505+1G>C

Gene: AUH (AU RNA binding methylglutaconyl-CoA hydratase; minus strand). Cytogenetic location: 9q22.31.
Variant type: single nucleotide variant.
Coding change: c.505+1G>C on transcript NM_001698.3 (MANE Select); the canonical splice donor site of the intron after coding-DNA position 505, G replaced by C.
Molecular consequence: splice donor variant. On other transcripts: intron variant (1).
Genome position (GRCh38, 1-based): chr9:91,325,317, C>G on the plus strand (G>C on the coding strand, the complement: AUH is on the minus strand). VCF-style: chr9-91325317-C-G. GRCh37 (hg19) VCF-style: chr9-94087599-C-G.
Other names: c.419-27241G>C (NM_001306190.2); c.178+1G>C (NM_001351433.2, NM_001351431.2, NM_001351432.2).
Identifiers: ClinVar variation 1332814 (VCV001332814.4), dbSNP rs773652620, ClinGen allele CA5119838.

ClinVar aggregate classification (germline): Pathogenic/Likely pathogenic. Review status: criteria provided, multiple submitters, no conflicts (2 of 4 stars). 2 submissions from 2 submitters: Pathogenic (1); Likely pathogenic (1). Last evaluated 2025-01-20.

Conditions:
3-methylglutaconic aciduria type 1 (MGCA1). Identifiers: Orphanet 67046, MedGen C0342727, MONDO:0009610, OMIM 250950.

Allele frequency attached by ClinVar (database versions not stated): ExAC 0.00001; gnomAD exomes 0.00002 and below 0.00001.
gnomAD v4.1: 7 of 1,612,138 alleles (0.00043%); highest among the groups gnomAD compares: South Asian, 0.0066%; no homozygotes.

Submissions (2):

Labcorp Genetics (formerly Invitae), Labcorp
Classification: Likely pathogenic for 3-methylglutaconic aciduria type 1. Last evaluated: 2025-01-20. Review status: criteria provided, single submitter. Criteria: Invitae Variant Classification Sherloc (09022015). Collection method: clinical testing. Allele origin: germline.
Comment: This sequence change affects a donor splice site in intron 4 of the AUH gene. It is expected to disrupt RNA splicing. Variants that disrupt the donor or acceptor splice site typically lead to a loss of protein function (PMID: 16199547), and loss-of-function variants in AUH are known to be pathogenic (PMID: 12655555, 20882351). This variant is present in population databases (rs773652620, gnomAD 0.01%). Disruption of this splice site has been observed in individual(s) with 3-methylglutaconic aciduria (PMID: 31069529, 32180488, 34302356). ClinVar contains an entry for this variant (Variation ID: 1332814). Algorithms developed to predict the effect of sequence changes on RNA splicing suggest that this variant may disrupt the consensus splice site. In summary, the currently available evidence indicates that the variant is pathogenic, but additional data are needed to prove that conclusively. Therefore, this variant has been classified as Likely Pathogenic.

Kasturba Medical College, Manipal, Kasturba Medical College, Manipal, Manipal Academy of Higher Education, Manipal, India
Classification: Pathogenic for 3-methylglutaconic aciduria type 1. Review status: criteria provided, single submitter. Criteria: ACMG Guidelines, 2015. Collection method: research. Allele origin: inherited. Affected: yes.

Literature cited by the submitters: PubMed 16199547 (cited by Labcorp Genetics (formerly Invitae), Labcorp); PubMed 12655555 (cited by Labcorp Genetics (formerly Invitae), Labcorp); PubMed 20882351 (cited by Labcorp Genetics (formerly Invitae), Labcorp); PubMed 31069529 (cited by Labcorp Genetics (formerly Invitae), Labcorp); PubMed 32180488 (cited by Labcorp Genetics (formerly Invitae), Labcorp); PubMed 34302356 (cited by Labcorp Genetics (formerly Invitae), Labcorp).